The following is an entry in ClinVar:

NM_024678.6(NARS2):c.613G>A (p.Val205Ile)

Gene: NARS2 (asparaginyl-tRNA synthetase 2, mitochondrial; minus strand). Cytogenetic location: 11q14.1.
Variant type: single nucleotide variant.
Coding change: c.613G>A on transcript NM_024678.6 (MANE Select); coding-DNA position 613, G replaced by A.
Protein change: p.Val205Ile; replaces valine 205 with isoleucine.
Molecular consequence: missense variant. On other transcripts: 5 prime UTR variant (1).
Genome position (GRCh38, 1-based): chr11:78,528,918, C>T on the plus strand (G>A on the coding strand, the complement: NARS2 is on the minus strand). VCF-style: chr11-78528918-C-T. GRCh37 (hg19) VCF-style: chr11-78239964-C-T.
Other names: c.-69G>A (NM_001243251.2); c.613G>A (NM_024678.5); short protein forms V205I.
Identifiers: ClinVar variation 1940953 (VCV001940953.7), dbSNP rs746780364, ClinGen allele CA6205775.
Genomic context (GRCh38, chr11:78,528,918, plus strand): 5'-GATGAAGTTGTCCTGAGACAGTTAAGAAAGCAGGAACATTGAAGAAATTCTCCTCAGGTA[C>T]CTTAAGTTTGCCTGAAGGCTGCAAATCAAAAACATAAGCCACAAAAAACTATTAAATGTT-3'
Protein context (NP_078954.4, residues 195-215): FQLEPSGKLK[Val205Ile]PEENFFNVPA

ClinVar aggregate classification (germline): Uncertain significance. Review status: criteria provided, multiple submitters, no conflicts (2 of 4 stars). 2 submissions from 2 submitters: Uncertain significance (2). Last evaluated 2023-04-19.

Conditions:
Inborn genetic diseases. Identifiers: MedGen C0950123, MeSH D030342.

Submissions (2):

Ambry Genetics
Classification: Uncertain significance for Inborn genetic diseases. Last evaluated: 2023-04-19. Review status: criteria provided, single submitter. Criteria: Ambry Variant Classification Scheme 2023. Collection method: clinical testing. Allele origin: germline.

Labcorp Genetics (formerly Invitae), Labcorp
Classification: Uncertain significance. Last evaluated: 2022-08-03. Review status: criteria provided, single submitter. Criteria: Invitae Variant Classification Sherloc (09022015). Collection method: clinical testing. Allele origin: germline.
Comment: In summary, the available evidence is currently insufficient to determine the role of this variant in disease. Therefore, it has been classified as a Variant of Uncertain Significance. Algorithms developed to predict the effect of missense changes on protein structure and function output the following: SIFT: "Tolerated"; PolyPhen-2: "Benign"; Align-GVGD: "Class C0". The isoleucine amino acid residue is found in multiple mammalian species, which suggests that this missense change does not adversely affect protein function. This variant has not been reported in the literature in individuals affected with NARS2-related conditions. This variant is present in population databases (rs746780364, gnomAD 0.09%). This sequence change replaces valine, which is neutral and non-polar, with isoleucine, which is neutral and non-polar, at codon 205 of the NARS2 protein (p.Val205Ile).